The following is an entry in ClinVar:

ClinVar aggregate classification (germline): Pathogenic. Review status: criteria provided, multiple submitters, no conflicts (2 of 4 stars). 3 submissions from 3 submitters: Pathogenic (2). 1 of the submissions does not count toward it. Last evaluated 2025-12-02.

Conditions:
Hereditary cancer-predisposing syndrome. Also called: Neoplastic Syndromes, Hereditary; Tumor predisposition; Hereditary neoplastic syndrome; Hereditary Cancer Syndrome. Identifiers: Orphanet 140162, MedGen C0027672, MeSH D009386, MONDO:0015356.
Tuberous sclerosis syndrome (TSC). Also called: Tuberous sclerosis; Tuberous Sclerosis Complex. Identifiers: Orphanet 805, MedGen C0041341, MONDO:0001734.
Tuberous sclerosis 1 (TSC1). Identifiers: Orphanet 805, MedGen C1854465, MONDO:0008612, OMIM 191100.

Submissions (3):

Ambry Genetics
Classification: Pathogenic for Hereditary cancer-predisposing syndrome. Last evaluated: 2025-12-02. Review status: criteria provided, single submitter. Criteria: Ambry Variant Classification Scheme 2023. Collection method: clinical testing. Allele origin: germline.
Comment: The c.324_325delTC variant, located in coding exon 3 of the TSC1 gene, results from a deletion of two nucleotides at nucleotide positions 324 to 325, causing a translational frameshift with a predicted alternate stop codon (p.Q109Sfs*16). This variant was reported in individual(s) with features consistent with Tuberous sclerosis complex (Ambry internal data). This variant is considered to be rare based on population cohorts in the Genome Aggregation Database (gnomAD). This alteration is expected to result in loss of function by premature protein truncation or nonsense-mediated mRNA decay. As such, this alteration is interpreted as a disease-causing mutation.

Labcorp Genetics (formerly Invitae), Labcorp
Classification: Pathogenic for Tuberous sclerosis 1. Last evaluated: 2025-11-27. Review status: criteria provided, single submitter. Criteria: Invitae Variant Classification Sherloc (09022015). Collection method: clinical testing. Allele origin: germline.
Comment: This sequence change creates a premature translational stop signal (p.Gln109Serfs*16) in the TSC1 gene. It is expected to result in an absent or disrupted protein product. Loss-of-function variants in TSC1 are known to be pathogenic (PMID: 10227394, 17304050). This variant is not present in population databases (gnomAD no frequency). This variant has not been reported in the literature in individuals affected with TSC1-related conditions. ClinVar contains an entry for this variant (Variation ID: 64726). For these reasons, this variant has been classified as Pathogenic.

Tuberous sclerosis database (TSC1)
No classification provided. Condition: TSC. Review status: no classification provided. Criteria: Tuberous Sclerosis Database Assertion Criteria 2015. Collection method: curation. Allele origin: germline. Affected: yes. Not counted in ClinVar's aggregate classification.

Literature cited by the submitters: PubMed 10227394 (cited by Labcorp Genetics (formerly Invitae), Labcorp); PubMed 17304050 (cited by Labcorp Genetics (formerly Invitae), Labcorp).

NM_000368.5(TSC1):c.324_325del (p.Gln109fs)

Gene: TSC1 (TSC complex subunit 1; minus strand). Cytogenetic location: 9q34.13.
Variant type: Microsatellite.
Coding change: c.324_325del on transcript NM_000368.5 (MANE Select); coding-DNA positions 324 to 325, 2 bases deleted (TC; older notation c.324_325delTC).
Protein change: p.Gln109fs; shifts the reading frame from glutamine 109.
Molecular consequence: frameshift variant. On other transcripts: 5 prime UTR variant (1), intron variant (1).
Genome position (GRCh38, 1-based): chr9:132,925,625-132,925,626, GA deleted on the plus strand (TC on the coding strand, the reverse complement: TSC1 is on the minus strand); deleting any 2 consecutive bases within chr9:132,925,625-132,925,631 gives the same sequence; the c. name uses the placement nearest the transcript's 3' end. VCF-style (leftmost placement, unchanged base first): chr9-132925624-TGA-T. GRCh37 (hg19) VCF-style: chr9-135801011-TGA-T.
Other names: c.324_325del (NM_000368.4); c.324_325del, p.Gln109fs (NM_001162426.2); c.-44TC[2] (NM_001362177.2); c.210+1571TC[2] (NM_001162427.2); c.324_325delTC (NM_000368.4); short protein forms Q109fs.
Identifiers: ClinVar variation 64726 (VCV000064726.3), dbSNP rs397514795, ClinGen allele CA007256.
Genomic context (GRCh38, chr9:132,925,624, plus strand): 5'-TCAAATCCTTACAAACATCCTACCTTGAGACATTTTAGTAAAGAAGGCAAAAGAGGTGCT[TGA>T]GAGAGCTTATGCTTCCAAGATGGCTGCAGTCTTATGACATGACCCAGTAACGAGAGGATG-3'